The following is an entry in ClinVar:

NM_001374623.1(PNPLA1):c.1300del (p.Ala434fs)

Gene: PNPLA1 (patatin like domain 1, omega-hydroxyceramide transacylase; plus strand). Cytogenetic location: 6p21.31.
Variant type: Deletion.
Coding change: c.1300del on transcript NM_001374623.1 (MANE Select); coding-DNA position 1300, one base deleted (G; older notation c.1300delG).
Protein change: p.Ala434fs; shifts the reading frame from alanine 434.
Molecular consequence: frameshift variant.
Genome position (GRCh38, 1-based): chr6:36,302,385, G deleted; the last of 5 consecutive G bases (chr6:36,302,381-36,302,385); deleting any one gives the same sequence. VCF-style (leftmost placement, unchanged base first): chr6-36302380-TG-T. GRCh37 (hg19) VCF-style: chr6-36270157-TG-T.
Other names: c.1300_1300del (NM_001145717.1); c.1042del, p.Ala348fs (NM_001145716.2); c.1300del, p.Ala434fs (NM_001145717.1); c.1015del, p.Ala339fs (NM_173676.2); short protein forms A434fs, A339fs, A348fs.
Identifiers: ClinVar variation 684640 (VCV000684640.8), dbSNP rs753687060, ClinGen allele CA3777974.

ClinVar aggregate classification (germline): Pathogenic. Review status: criteria provided, multiple submitters, no conflicts (2 of 4 stars). 4 submissions from 4 submitters: Pathogenic (3). 1 of the submissions does not count toward it. Last evaluated 2026-01-18.

Conditions:
Autosomal recessive congenital ichthyosis 10 (ARCI10). Identifiers: Orphanet 79394, MedGen C3554355, MONDO:0014011, OMIM 615024.
Congenital ichthyosiform erythroderma. Identifiers: MedGen C0079583, HP:0007431.

Submissions (4):

Labcorp Genetics (formerly Invitae), Labcorp
Classification: Pathogenic. Last evaluated: 2026-01-18. Review status: criteria provided, single submitter. Criteria: Invitae Variant Classification Sherloc (09022015). Collection method: clinical testing. Allele origin: germline.
Comment: This sequence change creates a premature translational stop signal (p.Ala434Hisfs*22) in the PNPLA1 gene. It is expected to result in an absent or disrupted protein product. Loss-of-function variants in PNPLA1 are known to be pathogenic (PMID: 22246504, 28093717). This variant is present in population databases (rs753687060, gnomAD 0.02%). This premature translational stop signal has been observed in individual(s) with ichthyosis (PMID: 28403545). ClinVar contains an entry for this variant (Variation ID: 684640). For these reasons, this variant has been classified as Pathogenic.

New York Genome Center
Classification: Pathogenic for Autosomal recessive congenital ichthyosis 10. Last evaluated: 2023-05-19. Review status: criteria provided, single submitter. Criteria: NYGC Assertion Criteria 2020. Collection method: clinical testing. Allele origin: germline. Affected: yes. Observed: 1 homozygote.
Comment: The c.1300del variant in PNPLA1 has previously been reported in a homozygous state in two individuals with autosomal recessive congenital ichthyosis [PMID:28403545] and it has been deposited in ClinVar [ClinVar ID: 684640]. The c.1300del variant is observed in 5 alleles (~0.0001% minor allele frequency with 0homozygotes) in population databases (gnomAD v2.1.1 and v3.1.2, TOPMed Freeze 8), suggesting it is not a common benign variant in the populations represented in those databases. The c.1300del variant in PNPLA1 is located in exon 6 of this 8-exon gene, predicted to incorporate a premature termination codon p.(Ala434HisfsTer22), and is expected to result in loss-of-function via nonsense mediated decay. Based on available evidence this homozygous c.1300delp.(Ala434HisfsTer22) variant in PNPLA1 is classified as Pathogenic.

Juno Genomics, Hangzhou Juno Genomics, Inc
Classification: Pathogenic for Autosomal recessive congenital ichthyosis 10. Review status: criteria provided, single submitter. Criteria: ACMG Guidelines, 2015. Collection method: clinical testing. Allele origin: germline.
Comment: Absent from controls (or at extremely low frequency if recessive) in Genome Aggregation Database.;Null variant in a gene where loss of function (LOF) is a known mechanism of disease.;For recessive disorders, detected in trans with a pathogenic variant.

Yale Center for Mendelian Genomics, Yale University
Classification: Pathogenic for Congenital ichthyosis. Last evaluated: 2017-06-07. Review status: no assertion criteria provided. Collection method: literature only. Allele origin: de novo. Affected: yes. Observed: 1 homozygote. Not counted in ClinVar's aggregate classification.

Literature cited by the submitters: PubMed 22246504 (cited by Labcorp Genetics (formerly Invitae), Labcorp); PubMed 28093717 (cited by Labcorp Genetics (formerly Invitae), Labcorp); PubMed 28403545 (cited by 3 submitters).